The following is an entry in ClinVar:

ClinVar aggregate classification (germline): Uncertain significance (1 of 4 stars; one submission).

gnomAD v4.1: 4 of 1,613,954 alleles (0.00025%); highest among the groups gnomAD compares: Non-Finnish European, 0.00034%; no homozygotes.

Submission:

Labcorp Genetics (formerly Invitae), Labcorp
Classification: Uncertain significance. Last evaluated: 2025-07-20. Review status: criteria provided, single submitter. Criteria: Invitae Variant Classification Sherloc (09022015). Collection method: clinical testing. Allele origin: germline.
Comment: This sequence change replaces asparagine, which is neutral and polar, with serine, which is neutral and polar, at codon 1345 of the CELSR2 protein (p.Asn1345Ser). This variant is not present in population databases (gnomAD no frequency). This variant has not been reported in the literature in individuals affected with CELSR2-related conditions. Invitae Evidence Modeling of protein sequence and biophysical properties (such as structural, functional, and spatial information, amino acid conservation, physicochemical variation, residue mobility, and thermodynamic stability) has been performed for this missense variant. However, the output from this modeling did not meet the statistical confidence thresholds required to predict the impact of this variant on CELSR2 protein function. In summary, the available evidence is currently insufficient to determine the role of this variant in disease. Therefore, it has been classified as a Variant of Uncertain Significance.

NM_001408.3(CELSR2):c.4034A>G (p.Asn1345Ser)

Gene: CELSR2 (cadherin EGF LAG seven-pass G-type receptor 2; plus strand). Cytogenetic location: 1p13.3.
Variant type: single nucleotide variant.
Coding change: c.4034A>G on transcript NM_001408.3 (MANE Select); coding-DNA position 4034, A replaced by G.
Protein change: p.Asn1345Ser; replaces asparagine 1345 with serine.
Molecular consequence: missense variant.
Genome position (GRCh38, 1-based): chr1:109,261,117, A>G. VCF-style: chr1-109261117-A-G. GRCh37 (hg19) VCF-style: chr1-109803739-A-G.
Other names: short protein forms N1345S.
Identifiers: ClinVar variation 4696240 (VCV004696240.1).